The following is an entry in ClinVar:

ClinVar aggregate classification (germline): Benign/Likely benign. Review status: criteria provided, multiple submitters, no conflicts (2 of 4 stars). 12 submissions from 11 submitters: Benign (4); Likely benign (7). 1 of the submissions does not count toward it. Last evaluated 2026-03-01.

Conditions:
Autosomal dominant nocturnal frontal lobe epilepsy 5. Also called: Epilepsy, nocturnal frontal lobe, 5; KCNT1-Related Epilepsy; CILIARY DYSKINESIA, PRIMARY, 28, WITHOUT SITUS INVERSUS; CILIARY DYSKINESIA, PRIMARY, 28, WITH SITUS INVERSUS. Identifiers: Orphanet 98784, MedGen C3554306, MONDO:0014002, OMIM 615005.
Developmental and epileptic encephalopathy, 14 (DEE14). Also called: Early infantile epileptic encephalopathy 14. Identifiers: Orphanet 293181, MedGen C3554195, MONDO:0013989, OMIM 614959.
KCNT1-related disorder. Also called: KCNT1-related condition.
Inborn genetic diseases. Identifiers: MedGen C0950123, MeSH D030342.

Allele frequency attached by ClinVar (database versions not stated): 1000 Genomes Project 0.00040; ESP Exome Variant Server 0.00046; 1000 Genomes Project 30x 0.00047; gnomAD exomes 0.00050; ExAC 0.00052; TOPMed 0.00054; gnomAD 0.00056 and 0.00057.
gnomAD v4.1: 1,286 of 1,605,654 alleles (0.08%); highest among the groups gnomAD compares: Non-Finnish European, 0.11%; 3 homozygotes.

Submissions (12):

CeGaT Center for Human Genetics Tuebingen
Classification: Benign. Last evaluated: 2026-03-01. Review status: criteria provided, single submitter. Criteria: CeGaT Center For Human Genetics Tuebingen Variant Classification Criteria Version 2. Collection method: clinical testing. Allele origin: germline. Affected: yes. Observed: 9 variant alleles.
Comment: KCNT1: BP4, BS1, BS2

Labcorp Genetics (formerly Invitae), Labcorp
Classification: Likely benign for Autosomal dominant nocturnal frontal lobe epilepsy 5; Developmental and epileptic encephalopathy, 14. Last evaluated: 2026-01-26. Review status: criteria provided, single submitter. Criteria: Invitae Variant Classification Sherloc (09022015). Collection method: clinical testing. Allele origin: germline.

Ambry Genetics
Classification: Likely benign for Inborn genetic diseases. Last evaluated: 2025-12-08. Review status: criteria provided, single submitter. Criteria: Ambry Variant Classification Scheme 2023. Collection method: clinical testing. Allele origin: germline.

Blueprint Genetics
Classification: Likely benign. Last evaluated: 2024-09-18. Review status: criteria provided, single submitter. Criteria: ACMG Guidelines, 2015. Collection method: clinical testing. Allele origin: germline.

ARUP Laboratories, Molecular Genetics and Genomics, ARUP Laboratories
Classification: Likely benign. Last evaluated: 2023-10-09. Review status: criteria provided, single submitter. Criteria: ARUP Molecular Germline Variant Investigation Process 2024. Collection method: clinical testing. Allele origin: germline.

Genome-Nilou Lab
Classification: Benign for Developmental and epileptic encephalopathy, 14. Last evaluated: 2022-03-15. Review status: criteria provided, single submitter. Criteria: ACMG Guidelines, 2015. Collection method: clinical testing. Allele origin: germline. Affected: no.

Genome-Nilou Lab
Classification: Benign for Autosomal dominant nocturnal frontal lobe epilepsy 5. Last evaluated: 2022-03-15. Review status: criteria provided, single submitter. Criteria: ACMG Guidelines, 2015. Collection method: clinical testing. Allele origin: germline. Affected: no.

GeneDx
Classification: Benign. Last evaluated: 2018-04-24. Review status: criteria provided, single submitter. Criteria: GeneDx Variant Classification Process June 2021. Collection method: clinical testing. Allele origin: germline. Affected: yes.

Center for Pediatric Genomic Medicine, Children's Mercy Hospital and Clinics
Classification: Likely benign. Last evaluated: 2017-05-11. Review status: criteria provided, single submitter. Criteria: ACMG Guidelines, 2015. Collection method: clinical testing. Allele origin: germline.

Breakthrough Genomics
Classification: Likely benign. Review status: criteria provided, single submitter. Criteria: ACMG Guidelines, 2015. Collection method: not provided. Allele origin: germline. Inheritance: Autosomal dominant inheritance. Affected: yes.

Center for Genomics, Ann and Robert H. Lurie Children's Hospital of Chicago
Classification: Likely benign for Developmental and epileptic encephalopathy, 14; Autosomal dominant nocturnal frontal lobe epilepsy 5. Review status: criteria provided, single submitter. Criteria: ACMG Guidelines, 2015. Collection method: clinical testing. Allele origin: germline.
Comment: KCNT1 NM_020822.2 exon 31 p.Thr1229Ala (c.3685A>G): This variant has not been reported in the literature but is present in 0.1% (72/64504) of European alleles in the Genome Aggregation Database. This variant is present in ClinVar, with several labs classifying this variant as likely benign (Variation ID: 378038). Evolutionary conservation for this variant is unclear; computational predictive tools suggest that this variant may not impact the protein. In summary, data on this variant suggests that this variant does not cause disease, but requires further evidence. Therefore this variant is classified as likely benign

PreventionGenetics, part of Exact Sciences
Classification: Likely benign for KCNT1-related condition. Last evaluated: 2022-02-16. Review status: no assertion criteria provided. Collection method: clinical testing. Allele origin: germline. Not counted in ClinVar's aggregate classification.
Comment: This variant is classified as likely benign based on ACMG/AMP sequence variant interpretation guidelines (Richards et al. 2015 PMID: 25741868, with internal and published modifications).

NM_020822.3(KCNT1):c.3685A>G (p.Thr1229Ala)

Gene: KCNT1 (potassium sodium-activated channel subfamily T member 1; plus strand). Cytogenetic location: 9q34.3.
Variant type: single nucleotide variant.
Coding change: c.3685A>G on transcript NM_020822.3 (MANE Select); coding-DNA position 3685, A replaced by G.
Protein change: p.Thr1229Ala; replaces threonine 1229 with alanine.
Molecular consequence: missense variant.
Genome position (GRCh38, 1-based): chr9:135,792,138, A>G. VCF-style: chr9-135792138-A-G. GRCh37 (hg19) VCF-style: chr9-138683984-A-G.
Other names: c.3613A>G, p.Thr1205Ala (NM_001272003.2); short protein forms T1229A, T1205A.
Identifiers: ClinVar variation 378038 (VCV000378038.54), dbSNP rs74533482, ClinGen allele CA5328021.